The following is an entry in ClinVar:

ClinVar aggregate classification (germline): Benign. Review status: criteria provided, multiple submitters, no conflicts (2 of 4 stars). 3 submissions from 3 submitters: Benign (3). Last evaluated 2018-01-12.

Conditions:
FLNB-Related Spectrum Disorders.

Allele frequency attached by ClinVar (database versions not stated): ExAC 0.00329; 1000 Genomes Project 0.00479; 1000 Genomes Project 30x 0.00531; gnomAD 0.00751 and 0.00823; ESP Exome Variant Server 0.00819; TOPMed 0.00876.
gnomAD v4.1: 2,171 of 1,562,480 alleles (0.14%); highest among the groups gnomAD compares: African/African-American, 2.6%; 23 homozygotes.

Submissions (3):

Illumina Laboratory Services, Illumina
Classification: Benign for FLNB-Related Spectrum Disorders. Last evaluated: 2018-01-12. Review status: criteria provided, single submitter. Criteria: ICSL Variant Classification Criteria 13 December 2019. Collection method: clinical testing. Allele origin: germline.
Comment: This variant was observed in the ICSL laboratory as part of a predisposition screen in an ostensibly healthy population. It had not been previously curated by ICSL or reported in the Human Gene Mutation Database (HGMD: prior to June 1st, 2018), and was therefore a candidate for classification through an automated scoring system. Utilizing variant allele frequency, disease prevalence and penetrance estimates, and inheritance mode, an automated score was calculated to assess if this variant is too frequent to cause the disease. Based on the score and internal cut-off values, a variant classified as benign is not then subjected to further curation. The score for this variant resulted in a classification of benign for this disease.

ARUP Laboratories, Molecular Genetics and Genomics, ARUP Laboratories
Classification: Benign. Last evaluated: 2017-06-07. Review status: criteria provided, single submitter. Criteria: ARUP Molecular Germline Variant Investigation Process. Collection method: clinical testing. Allele origin: germline.

GeneDx
Classification: Benign. Last evaluated: 2016-12-05. Review status: criteria provided, single submitter. Criteria: GeneDx Variant Classification (06012015). Collection method: clinical testing. Allele origin: germline. Affected: yes.
Comment: This variant is considered likely benign or benign based on one or more of the following criteria: it is a conservative change, it occurs at a poorly conserved position in the protein, it is predicted to be benign by multiple in silico algorithms, and/or has population frequency not consistent with disease.

NM_001457.4(FLNB):c.-31C>T

Gene: FLNB (filamin B; plus strand). Cytogenetic location: 3p14.3.
Variant type: single nucleotide variant.
Coding change: c.-31C>T on transcript NM_001457.4 (MANE Select); 31 bases upstream of the start codon, C replaced by T.
Molecular consequence: 5 prime UTR variant.
Genome position (GRCh38, 1-based): chr3:58,008,534, C>T. VCF-style: chr3-58008534-C-T. GRCh37 (hg19) VCF-style: chr3-57994261-C-T.
Other names: c.-31C>T (NM_001164317.2, NM_001164318.2, NM_001164319.2).
Identifiers: ClinVar variation 346296 (VCV000346296.12), dbSNP rs138060096, ClinGen allele CA2467433.